The following is an entry in ClinVar:

ClinVar aggregate classification (germline): Uncertain significance (1 of 4 stars; one submission).

gnomAD v4.1: 2 of 1,614,198 alleles (0.00012%); highest among the groups gnomAD compares: South Asian, 0.0011%; no homozygotes.

Submission:

GeneDx
Classification: Uncertain significance. Last evaluated: 2025-01-14. Review status: criteria provided, single submitter. Criteria: GeneDx Variant Classification Process June 2021. Collection method: clinical testing. Allele origin: germline. Affected: yes.
Comment: Not observed at significant frequency in large population cohorts (gnomAD); In silico analysis indicates that this missense variant does not alter protein structure/function; Has not been previously published as pathogenic or benign to our knowledge

NM_016333.4(SRRM2):c.1874C>A (p.Ser625Tyr)

Gene: SRRM2 (serine/arginine repetitive matrix 2; plus strand). Cytogenetic location: 16p13.3.
Variant type: single nucleotide variant.
Coding change: c.1874C>A on transcript NM_016333.4 (MANE Select); coding-DNA position 1874, C replaced by A.
Protein change: p.Ser625Tyr; replaces serine 625 with tyrosine.
Molecular consequence: missense variant.
Genome position (GRCh38, 1-based): chr16:2,762,402, C>A. VCF-style: chr16-2762402-C-A. GRCh37 (hg19) VCF-style: chr16-2812403-C-A.
Other names: short protein forms S625Y.
Identifiers: ClinVar variation 4057183 (VCV004057183.1).